The following is an entry in ClinVar:

NM_004006.3(DMD):c.7596C>T (p.Thr2532=)

Gene: DMD (dystrophin; minus strand). Cytogenetic location: Xp21.1.
Variant type: single nucleotide variant.
Coding change: c.7596C>T on transcript NM_004006.3 (MANE Select); coding-DNA position 7596, C replaced by T.
Protein change: p.Thr2532=; no amino-acid change (threonine 2532 retained).
Molecular consequence: synonymous variant.
Genome position (GRCh38, 1-based): chrX:31,729,695, G>A on the plus strand (C>T on the coding strand, the complement: DMD is on the minus strand). VCF-style: chrX-31729695-G-A. GRCh37 (hg19) VCF-style: chrX-31747812-G-A.
Other names: p.Thr2532=; c.7572C>T, p.Thr2524= (NM_000109.4); c.7584C>T, p.Thr2528= (NM_004009.3); c.7227C>T, p.Thr2409= (NM_004010.3); c.3573C>T, p.Thr1191= (NM_004011.4); c.3564C>T, p.Thr1188= (NM_004012.4); c.216C>T, p.Thr72= (NM_004013.3, NM_004020.4, NM_004021.3 and 2 more transcripts).
Identifiers: ClinVar variation 227310 (VCV000227310.19), dbSNP rs778412539, ClinGen allele CA10378246.

ClinVar aggregate classification (germline): Benign/Likely benign. Review status: criteria provided, multiple submitters, no conflicts (2 of 4 stars). 6 submissions from 6 submitters: Benign (2); Likely benign (3). 1 of the submissions does not count toward it. Last evaluated 2025-12-08.

Conditions:
Cardiomyopathy (CMYO). Also called: Cardiomyopathies. Identifiers: Orphanet 167848, MedGen C0878544, MONDO:0004994, HP:0001638. Inheritance: Various modes of inheritance.
Duchenne muscular dystrophy (DMD). Also called: MUSCULAR DYSTROPHY, PSEUDOHYPERTROPHIC PROGRESSIVE, DUCHENNE TYPE; Duchenne Muscular Dystrophy (DMD). Identifiers: Orphanet 98896, MedGen C0013264, MONDO:0010679, OMIM 310200.
Becker muscular dystrophy (BMD). Also called: Becker Muscular Dystrophy (BMD); MUSCULAR DYSTROPHY, PSEUDOHYPERTROPHIC PROGRESSIVE, BECKER TYPE. Identifiers: Orphanet 98895, MedGen C0917713, MONDO:0010311, OMIM 300376.
Dystrophin deficiency.
Cardiovascular phenotype. Identifiers: MedGen CN230736.

Allele frequency attached by ClinVar (database versions not stated): ExAC 0.00027; gnomAD 0.00008 and 0.00010; TOPMed 0.00008; gnomAD exomes 0.00020.
gnomAD v4.1: 104 of 1,209,578 alleles (0.0086%); highest among the groups gnomAD compares: East Asian, 0.021%; no homozygotes.

Submissions (6):

Labcorp Genetics (formerly Invitae), Labcorp
Classification: Benign for Duchenne muscular dystrophy. Last evaluated: 2025-12-08. Review status: criteria provided, single submitter. Criteria: Invitae Variant Classification Sherloc (09022015). Collection method: clinical testing. Allele origin: germline.

Mayo Clinic Laboratories, Mayo Clinic
Classification: Likely benign. Last evaluated: 2025-05-27. Review status: criteria provided, single submitter. Criteria: ACMG Guidelines, 2015. Collection method: clinical testing. Allele origin: germline. Observed: 1 variant allele.
Comment: BP4, BP7

Molecular Diagnostic Laboratory for Inherited Cardiovascular Disease, Montreal Heart Institute
Classification: Benign. Last evaluated: 2025-04-09. Review status: criteria provided, single submitter. Criteria: ACMG Guidelines, 2015. Collection method: clinical testing. Allele origin: germline. Affected: no.

Ambry Genetics
Classification: Likely benign for Cardiovascular phenotype. Last evaluated: 2019-06-20. Review status: criteria provided, single submitter. Criteria: Ambry Variant Classification Scheme 2023. Collection method: clinical testing. Allele origin: germline.

Laboratory for Molecular Medicine, Mass General Brigham Personalized Medicine
Classification: Likely benign. Last evaluated: 2015-07-28. Review status: criteria provided, single submitter. Criteria: LMM Criteria. Collection method: clinical testing. Allele origin: germline. Observed: 1 variant allele.
Comment: p.Thr2532Thr in exon 52 of DMD: This variant is not expected to have clinical si gnificance because it does not alter an amino acid residue and is not located wi thin the splice consensus sequence. It has been identified in 20/47999 European chromosomes by the Exome Aggregation Consortium (ExAC; dbSNP rs778412539).

Natera, Inc.
Classification: Likely benign for Becker muscular dystrophy; Cardiomyopathy; Duchenne muscular dystrophy; Dystrophin deficiency. Last evaluated: 2019-07-02. Review status: no assertion criteria provided. Collection method: clinical testing. Allele origin: germline. Not counted in ClinVar's aggregate classification.